The following is an entry in ClinVar:

ClinVar aggregate classification (germline): Uncertain significance (1 of 4 stars; one submission).

Conditions:
Cardiovascular phenotype. Identifiers: MedGen CN230736.

gnomAD v4.1: 1 of 1,471,342 alleles (0.000068%); highest among the groups gnomAD compares: Non-Finnish European, 0.00009%; no homozygotes.

Submission:

Ambry Genetics
Classification: Uncertain significance for Cardiovascular phenotype. Last evaluated: 2025-05-03. Review status: criteria provided, single submitter. Criteria: Ambry Variant Classification Scheme 2023. Collection method: clinical testing. Allele origin: germline.
Comment: The p.H32P variant (also known as c.95A>C), located in coding exon 1 of the GATAD1 gene, results from an A to C substitution at nucleotide position 95. The histidine at codon 32 is replaced by proline, an amino acid with similar properties. This amino acid position is conserved. In addition, the in silico prediction for this alteration is inconclusive. Based on the available evidence, the clinical significance of this variant remains unclear.

NM_021167.5(GATAD1):c.95A>C (p.His32Pro)

Genes: GATAD1 (GATA zinc finger domain containing 1; plus strand), LOC129998793 (ATAC-STARR-seq lymphoblastoid silent region 18371; plus strand). Cytogenetic location: 7q21.2.
Variant type: single nucleotide variant.
Coding change: c.95A>C on transcript NM_021167.5 (MANE Select); coding-DNA position 95, A replaced by C.
Protein change: p.His32Pro; replaces histidine 32 with proline.
Molecular consequence: missense variant. On other transcripts: non-coding transcript variant (1).
Genome position (GRCh38, 1-based): chr7:92,447,824, A>C. VCF-style: chr7-92447824-A-C. GRCh37 (hg19) VCF-style: chr7-92077138-A-C.
Other names: short protein forms H32P.
Identifiers: ClinVar variation 4028560 (VCV004028560.1).